The following is an entry in ClinVar:

ClinVar aggregate classification (germline): Uncertain significance (1 of 4 stars; one submission).

Submission:

Labcorp Genetics (formerly Invitae), Labcorp
Classification: Uncertain significance. Last evaluated: 2022-10-24. Review status: criteria provided, single submitter. Criteria: Invitae Variant Classification Sherloc (09022015). Collection method: clinical testing. Allele origin: germline.
Comment: This sequence change replaces glutamine, which is neutral and polar, with histidine, which is basic and polar, at codon 1042 of the PRPF8 protein (p.Gln1042His). This variant is not present in population databases (gnomAD no frequency). In summary, the available evidence is currently insufficient to determine the role of this variant in disease. Therefore, it has been classified as a Variant of Uncertain Significance. Advanced modeling of protein sequence and biophysical properties (such as structural, functional, and spatial information, amino acid conservation, physicochemical variation, residue mobility, and thermodynamic stability) has been performed at Invitae for this missense variant, however the output from this modeling did not meet the statistical confidence thresholds required to predict the impact of this variant on PRPF8 protein function. ClinVar contains an entry for this variant (Variation ID: 1366339). This variant has not been reported in the literature in individuals affected with PRPF8-related conditions.

NM_006445.4(PRPF8):c.3126G>C (p.Gln1042His)

Gene: PRPF8 (pre-mRNA processing factor 8; minus strand). Cytogenetic location: 17p13.3.
Variant type: single nucleotide variant.
Coding change: c.3126G>C on transcript NM_006445.4 (MANE Select); coding-DNA position 3126, G replaced by C.
Protein change: p.Gln1042His; replaces glutamine 1042 with histidine.
Molecular consequence: missense variant.
Genome position (GRCh38, 1-based): chr17:1,674,615, C>G on the plus strand (G>C on the coding strand, the complement: PRPF8 is on the minus strand). VCF-style: chr17-1674615-C-G. GRCh37 (hg19) VCF-style: chr17-1577909-C-G.
Other names: short protein forms Q1042H.
Identifiers: ClinVar variation 1366339 (VCV001366339.8), dbSNP rs978250052, ClinGen allele CA397543329.